The following is an entry in ClinVar:

ClinVar aggregate classification (germline): Benign. Review status: criteria provided, multiple submitters, no conflicts (2 of 4 stars). 2 submissions from 2 submitters: Benign (2). Last evaluated 2019-04-01.

Allele frequency attached by ClinVar (database versions not stated): gnomAD exomes 0.00479 and 0.01398; ESP Exome Variant Server 0.05349; gnomAD 0.05470 and 0.05841; 1000 Genomes Project 0.06090; TOPMed 0.06241; 1000 Genomes Project 30x 0.06418; ExAC 0.06687.

Submissions (9):

GeneDx
Classification: Benign. Last evaluated: 2019-04-01. Review status: criteria provided, single submitter. Criteria: GeneDx Variant Classification Process June 2021. Collection method: clinical testing. Allele origin: germline. Affected: yes.
Comment: This variant is associated with the following publications: (PMID: 27651445)

Breakthrough Genomics
Classification: Benign. Review status: criteria provided, single submitter. Criteria: ACMG Guidelines, 2015. Collection method: not provided. Allele origin: germline. Inheritance: Unknown mechanism. Affected: yes.

Dr. Peter K. Rogan Lab, Western University
No classification provided (evidence only). Condition: Lung cancer. Review status: no classification provided. Collection method: in vitro. Allele origin: not applicable. Functional consequence: retained intron. Not counted in ClinVar's aggregate classification.

Dr. Peter K. Rogan Lab, Western University
No classification provided (evidence only). Condition: Uterine corpus endometrial carcinoma. Review status: no classification provided. Collection method: in vitro. Allele origin: not applicable. Functional consequence: retained intron. Not counted in ClinVar's aggregate classification.

Dr. Peter K. Rogan Lab, Western University
No classification provided (evidence only). Condition: Uterine corpus endometrial carcinoma. Review status: no classification provided. Collection method: in vitro. Allele origin: not applicable. Functional consequence: retained intron. Not counted in ClinVar's aggregate classification.

Dr. Peter K. Rogan Lab, Western University
No classification provided (evidence only). Condition: Ovarian serous cystadenocarcinoma. Review status: no classification provided. Collection method: in vitro. Allele origin: not applicable. Functional consequence: retained intron. Not counted in ClinVar's aggregate classification.

Dr. Peter K. Rogan Lab, Western University
No classification provided (evidence only). Condition: Gastric cancer. Review status: no classification provided. Collection method: in vitro. Allele origin: not applicable. Functional consequence: retained intron. Not counted in ClinVar's aggregate classification.

Dr. Peter K. Rogan Lab, Western University
No classification provided (evidence only). Condition: Adrenocortical carcinoma, hereditary. Review status: no classification provided. Collection method: in vitro. Allele origin: not applicable. Functional consequence: retained intron. Not counted in ClinVar's aggregate classification.

Dr. Peter K. Rogan Lab, Western University
No classification provided (evidence only). Condition: Uterine carcinosarcoma. Review status: no classification provided. Collection method: in vitro. Allele origin: not applicable. Functional consequence: retained intron. Not counted in ClinVar's aggregate classification.

NM_005505.5(SCARB1):c.*94G>A

Gene: SCARB1 (scavenger receptor class B member 1; minus strand). Cytogenetic location: 12q24.31.
Variant type: single nucleotide variant.
Coding change: c.*94G>A on transcript NM_005505.5 (MANE Select); 94 bases downstream of the stop codon, G replaced by A.
Molecular consequence: 3 prime UTR variant. On other transcripts: missense variant (2), non-coding transcript variant (9).
Genome position (GRCh38, 1-based): chr12:124,778,493, C>T on the plus strand (G>A on the coding strand, the complement: SCARB1 is on the minus strand). VCF-style: chr12-124778493-C-T. GRCh37 (hg19) VCF-style: chr12-125263039-C-T.
Other names: NC_000012.11:g.125263039C>T; c.1495G>A, p.Gly499Arg (NM_001082959.2); c.*86G>A (NM_001367981.1); c.*94G>A (NM_001367983.1, NM_001367984.1, NM_001367985.1 and 2 more transcripts); c.1297G>A, p.Gly433Arg (NM_001367987.1); c.*105G>A (NM_001367989.1); short protein forms G433R, G499R.
Identifiers: ClinVar variation 1297808 (VCV001297808.4), dbSNP rs701103, ClinGen allele CA6870105.
Genomic context (GRCh38, chr12:124,778,493, plus strand): 5'-CAGGTGTGCAACAGGCACATGGCAGCTGGGAGGCTCAGGCTGTGGGGCTGGGGGGCTGTC[C>T]GCTGGGAGAGTCCGGGAGAAGCGGGGTGTAGGGGCTGGGGGGCCGGTCAGGCCCAGCGGC-3'